The following is an entry in ClinVar:

ClinVar aggregate classification (germline): Uncertain significance (1 of 4 stars; one submission).

gnomAD v4.1: 3 of 1,612,982 alleles (0.00019%); highest among the groups gnomAD compares: Admixed American, 0.0033%; no homozygotes.

Submission:

GeneDx
Classification: Uncertain significance. Last evaluated: 2025-04-15. Review status: criteria provided, single submitter. Criteria: GeneDx Variant Classification Process June 2021. Collection method: clinical testing. Allele origin: germline. Affected: yes.
Comment: Not observed at significant frequency in large population cohorts (gnomAD); In silico analysis supports that this missense variant has a deleterious effect on protein structure/function; Has not been previously published as pathogenic or benign to our knowledge

NM_006421.5(ARFGEF1):c.3823T>C (p.Trp1275Arg)

Gene: ARFGEF1 (ARF guanine nucleotide exchange factor 1; minus strand). Cytogenetic location: 8q13.2.
Variant type: single nucleotide variant.
Coding change: c.3823T>C on transcript NM_006421.5 (MANE Select); coding-DNA position 3823, T replaced by C.
Protein change: p.Trp1275Arg; replaces tryptophan 1275 with arginine.
Molecular consequence: missense variant. On other transcripts: non-coding transcript variant (1).
Genome position (GRCh38, 1-based): chr8:67,227,230, A>G on the plus strand (T>C on the coding strand, the complement: ARFGEF1 is on the minus strand). VCF-style: chr8-67227230-A-G. GRCh37 (hg19) VCF-style: chr8-68139465-A-G.
Other names: c.3823T>C, p.Trp1275Arg (NM_001413184.1, NM_001413185.1, NM_001413186.1 and 6 more transcripts); c.3223T>C, p.Trp1075Arg (NM_001413188.1, NM_001413193.1, NM_001413197.1); c.3817T>C, p.Trp1273Arg (NM_001413190.1); c.2398T>C, p.Trp800Arg (NM_001413196.1); short protein forms W1075R, W1273R, W1275R, W800R.
Identifiers: ClinVar variation 4281990 (VCV004281990.1).
Genomic context (GRCh38, chr8:67,227,230, plus strand): 5'-CCACTATGCTTTCATCTTGATCAGATGCAGCTAGATGAAATACAGAGAAAATGTTCTTCC[A>G]TCCAGATCGAATGTTAGCAGCTTGAGAATTAACCATCTGTGCTATACACCGTACAACCAT-3'
Protein context (NP_006412.2, residues 1265-1285): NSQAANIRSG[Trp1275Arg]KNIFSVFHLA